The following is an entry in ClinVar:

ClinVar aggregate classification (germline): Uncertain significance (1 of 4 stars; one submission).

Conditions:
Familial adenomatous polyposis 1 (FAP1). Also called: FAMILIAL ADENOMATOUS POLYPOSIS 1, ATTENUATED; POLYPOSIS, ADENOMATOUS INTESTINAL. Identifiers: MedGen C2713442, MONDO:0021056, OMIM 175100. Disease mechanism: loss of function.

Submission:

Labcorp Genetics (formerly Invitae), Labcorp
Classification: Uncertain significance for Familial adenomatous polyposis 1. Last evaluated: 2023-03-22. Review status: criteria provided, single submitter. Criteria: Invitae Variant Classification Sherloc (09022015). Collection method: clinical testing. Allele origin: germline.
Comment: This sequence change replaces aspartic acid, which is acidic and polar, with glutamic acid, which is acidic and polar, at codon 396 of the APC protein (p.Asp396Glu). This variant is not present in population databases (gnomAD no frequency). This variant has not been reported in the literature in individuals affected with APC-related conditions. Advanced modeling of protein sequence and biophysical properties (such as structural, functional, and spatial information, amino acid conservation, physicochemical variation, residue mobility, and thermodynamic stability) performed at Invitae indicates that this missense variant is not expected to disrupt APC protein function. In summary, the available evidence is currently insufficient to determine the role of this variant in disease. Therefore, it has been classified as a Variant of Uncertain Significance.

NM_000038.6(APC):c.1188T>A (p.Asp396Glu)

Gene: APC (APC regulator of Wnt signaling pathway; plus strand). Cytogenetic location: 5q22.2.
Variant type: single nucleotide variant.
Coding change: c.1188T>A on transcript NM_000038.6 (MANE Select); coding-DNA position 1188, T replaced by A.
Protein change: p.Asp396Glu; replaces aspartic acid 396 with glutamic acid.
Molecular consequence: missense variant. On other transcripts: non-coding transcript variant (2), intron variant (15).
Genome position (GRCh38, 1-based): chr5:112,819,220, T>A. VCF-style: chr5-112819220-T-A. GRCh37 (hg19) VCF-style: chr5-112154917-T-A.
Other names: c.1188T>A, p.Asp396Glu (NM_001127510.3, NM_001354895.2, NM_001354896.2 and 4 more transcripts); c.1134T>A, p.Asp378Glu (NM_001127511.3); c.1218T>A, p.Asp406Glu (NM_001354897.2, NM_001407446.1); c.1113T>A, p.Asp371Glu (NM_001354898.2, NM_001407451.1); c.1104T>A, p.Asp368Glu (NM_001354899.2, NM_001407452.1); c.1011T>A, p.Asp337Glu (NM_001354900.2, NM_001354901.2, NM_001407453.1); c.339T>A, p.Asp113Glu (NM_001354906.2, NM_001407470.1); c.85-49T>A (NM_001407472.1, NM_001407471.1); and 5 more; short protein forms D113E, D378E, D337E, D368E, D371E, D396E, D406E.
Identifiers: ClinVar variation 2848588 (VCV002848588.3), dbSNP rs1554080056, ClinGen allele CA16023905.